The following is an entry in ClinVar:

NM_000454.5(SOD1):c.241C>T (p.His81Tyr)

Gene: SOD1 (superoxide dismutase 1; plus strand). Cytogenetic location: 21q22.11.
Variant type: single nucleotide variant.
Coding change: c.241C>T on transcript NM_000454.5 (MANE Select); coding-DNA position 241, C replaced by T.
Protein change: p.His81Tyr; replaces histidine 81 with tyrosine.
Molecular consequence: missense variant.
Genome position (GRCh38, 1-based): chr21:31,667,259, C>T. VCF-style: chr21-31667259-C-T. GRCh37 (hg19) VCF-style: chr21-33039572-C-T.
Other names: short protein forms H81Y.
Identifiers: ClinVar variation 2059610 (VCV002059610.4), dbSNP rs2516660280, ClinGen allele CA410037374.

ClinVar aggregate classification (germline): Likely pathogenic (1 of 4 stars; one submission).

Conditions:
Amyotrophic lateral sclerosis type 1 (ALS1). Also called: AMYOTROPHIC LATERAL SCLEROSIS 1, FAMILIAL. Identifiers: Orphanet 803, MedGen C1862939, MONDO:0007103, OMIM 105400.

Submission:

Labcorp Genetics (formerly Invitae), Labcorp
Classification: Likely pathogenic for Amyotrophic lateral sclerosis type 1. Last evaluated: 2022-05-08. Review status: criteria provided, single submitter. Criteria: Invitae Variant Classification Sherloc (09022015). Collection method: clinical testing. Allele origin: germline.
Comment: This variant disrupts the p.His81 amino acid residue in SOD1. Other variant(s) that disrupt this residue have been determined to be pathogenic (PMID: 12402272, 16945901, 19483195, 20515040). This suggests that this residue is clinically significant, and that variants that disrupt this residue are likely to be disease-causing. In summary, the currently available evidence indicates that the variant is pathogenic, but additional data are needed to prove that conclusively. Therefore, this variant has been classified as Likely Pathogenic. Algorithms developed to predict the effect of sequence changes on RNA splicing suggest that this variant may create or strengthen a splice site. Algorithms developed to predict the effect of missense changes on protein structure and function (SIFT, PolyPhen-2, Align-GVGD) all suggest that this variant is likely to be disruptive. This missense change has been observed in individuals with autosomal dominant amyotrophic lateral sclerosis (PMID: 32948071; Invitae). This variant is not present in population databases (gnomAD no frequency). This sequence change replaces histidine, which is basic and polar, with tyrosine, which is neutral and polar, at codon 81 of the SOD1 protein (p.His81Tyr).

Literature cited by the submitters: PubMed 12402272; PubMed 16945901; PubMed 19483195; PubMed 20515040; PubMed 32948071.